The following is an entry in ClinVar:

ClinVar aggregate classification (germline): Uncertain significance (1 of 4 stars; one submission).

Allele frequency attached by ClinVar (database versions not stated): gnomAD exomes below 0.00001.
gnomAD v4.1: 2 of 1,614,150 alleles (0.00012%); highest among the groups gnomAD compares: African/African-American, 0.0027%; no homozygotes.

Submission:

Labcorp Genetics (formerly Invitae), Labcorp
Classification: Uncertain significance. Last evaluated: 2022-04-18. Review status: criteria provided, single submitter. Criteria: Invitae Variant Classification Sherloc (09022015). Collection method: clinical testing. Allele origin: germline.
Comment: This sequence change replaces methionine, which is neutral and non-polar, with threonine, which is neutral and polar, at codon 282 of the HEPACAM protein (p.Met282Thr). This variant is not present in population databases (gnomAD no frequency). This variant has not been reported in the literature in individuals affected with HEPACAM-related conditions. Algorithms developed to predict the effect of missense changes on protein structure and function (SIFT, PolyPhen-2, Align-GVGD) all suggest that this variant is likely to be tolerated. In summary, the available evidence is currently insufficient to determine the role of this variant in disease. Therefore, it has been classified as a Variant of Uncertain Significance.

NM_152722.5(HEPACAM):c.845T>C (p.Met282Thr)

Gene: HEPACAM (hepatic and glial cell adhesion molecule; minus strand). Cytogenetic location: 11q24.2.
Variant type: single nucleotide variant.
Coding change: c.845T>C on transcript NM_152722.5 (MANE Select); coding-DNA position 845, T replaced by C.
Protein change: p.Met282Thr; replaces methionine 282 with threonine.
Molecular consequence: missense variant.
Genome position (GRCh38, 1-based): chr11:124,922,777, A>G on the plus strand (T>C on the coding strand, the complement: HEPACAM is on the minus strand). VCF-style: chr11-124922777-A-G. GRCh37 (hg19) VCF-style: chr11-124792673-A-G.
Other names: c.845T>C, p.Met282Thr (NM_001411043.1); short protein forms M282T.
Identifiers: ClinVar variation 2116487 (VCV002116487.4), dbSNP rs1947158083, ClinGen allele CA383139873.
Genomic context (GRCh38, chr11:124,922,777, plus strand): 5'-ATGGGTGATTGGGTGGCTGGGAGCTCACCTTCTGGTTTCAGGCGGTCATCATTCTGATCC[A>G]TGTATTCCAGGGAGTTTTGCTTTTCTAGCTTCTTCTGTTTCCTGTGAATCAATTCAGCCC-3'
Protein context (NP_689935.2, residues 272-292): KLEKQNSLEY[Met282Thr]DQNDDRLKPE